The following is an entry in ClinVar:

ClinVar aggregate classification (germline): Likely pathogenic (1 of 4 stars; one submission).

Conditions:
Hypophosphatasia. Also called: Phosphoethanol-aminuria. Identifiers: Orphanet 436, MedGen C0020630, MeSH D007014, MONDO:0018570.

Submission:

Myriad Genetics, Inc.
Classification: Likely pathogenic for Hypophosphatasia. Last evaluated: 2022-02-25. Review status: criteria provided, single submitter. Criteria: Myriad Autosomal Dominant, Autosomal Recessive and X-Linked Classification Criteria (2023). Collection method: clinical testing. Allele origin: unknown.
Comment: NM_000478.4(ALPL):c.750_751delGG(D251Pfs*3) is expected to be pathogenic in the context of hypophosphatasia. This variant is predicted to lead to an abnormal or absent protein product due to the creation of a premature termination codon in ALPL, a gene where loss-of-function variants are known to be pathogenic. Please note: this variant was assessed in the context of healthy population screening.

NM_000478.6(ALPL):c.750_751del (p.Asp251fs)

Gene: ALPL (alkaline phosphatase, biomineralization associated; plus strand). Cytogenetic location: 1p36.12.
Variant type: Deletion.
Coding change: c.750_751del on transcript NM_000478.6 (MANE Select); coding-DNA positions 750 to 751, 2 bases deleted (GG; older notation c.750_751delGG).
Protein change: p.Asp251fs; shifts the reading frame from aspartic acid 251.
Molecular consequence: frameshift variant.
Genome position (GRCh38, 1-based): chr1:21,568,205-21,568,206, GG deleted. VCF-style (leftmost placement, unchanged base first): chr1-21568204-TGG-T. GRCh37 (hg19) VCF-style: chr1-21894697-TGG-T.
Other names: c.585_586del, p.Asp196fs (NM_001127501.4); c.519_520del, p.Asp174fs (NM_001177520.3); c.750_751del, p.Asp251fs (NM_001369803.2, NM_001369804.2, NM_001369805.2); short protein forms D174fs, D196fs, D251fs.
Identifiers: ClinVar variation 1724770 (VCV001724770.3), dbSNP rs2545317559, ClinGen allele CA2580061445.